The following is an entry in ClinVar:

NM_000083.3(CLCN1):c.2926C>T (p.Arg976Ter)

Gene: CLCN1 (chloride voltage-gated channel 1; plus strand). Cytogenetic location: 7q34.
Variant type: single nucleotide variant.
Coding change: c.2926C>T on transcript NM_000083.3 (MANE Select); coding-DNA position 2926, C replaced by T.
Protein change: p.Arg976Ter; replaces arginine 976 with a stop codon.
Molecular consequence: nonsense. On other transcripts: non-coding transcript variant (1).
Genome position (GRCh38, 1-based): chr7:143,351,924, C>T. VCF-style: chr7-143351924-C-T. GRCh37 (hg19) VCF-style: chr7-143049017-C-T.
Other names: short protein forms R976*.
Identifiers: ClinVar variation 199652 (VCV000199652.24), dbSNP rs142539932, ClinGen allele CA248367.

ClinVar aggregate classification (germline): Uncertain significance. Review status: criteria provided, multiple submitters, no conflicts (2 of 4 stars). 8 submissions from 8 submitters: Uncertain significance (6). 2 of the submissions do not count toward it. Last evaluated 2025-11-17.

Conditions:
Congenital myotonia, autosomal dominant form (THD). Also called: THOMSEN DISEASE; Myotonia congenita autosomal dominant. Identifiers: Orphanet 614, MedGen C2936781, MONDO:0008055, OMIM 160800.
Congenital myotonia, autosomal recessive form. Also called: Becker Generalized Myotonia; BECKER DISEASE; myotonia congenita, autosomal recessive. Identifiers: Orphanet 614, MedGen C0751360, MONDO:0009715, OMIM 255700.
Batten-Turner congenital myopathy. Also called: Myotonia congenita; Congenital myotonia. Identifiers: Orphanet 206973, MedGen C0027127, MONDO:0100468, OMIM 255300.

Allele frequency attached by ClinVar (database versions not stated): 1000 Genomes Project 30x 0.00062; ESP Exome Variant Server 0.00077; gnomAD exomes 0.00016 and 0.00028; ExAC 0.00026; 1000 Genomes Project 0.00060; gnomAD 0.00066 and 0.00070; TOPMed 0.00085.
gnomAD v4.1: 336 of 1,613,610 alleles (0.021%); highest among the groups gnomAD compares: African/African-American, 0.17%; 1 homozygote.

Submissions (8):

Women's Health and Genetics/Laboratory Corporation of America, LabCorp
Classification: Uncertain significance. Last evaluated: 2025-11-17. Review status: criteria provided, single submitter. Criteria: LabCorp Variant Classification Summary - May 2015. Collection method: clinical testing. Allele origin: germline.
Comment: Variant summary: CLCN1 c.2926C>T (p.Arg976X) results in a premature termination codon, predicted to cause a truncation of the encoded protein or absence of the protein due to nonsense mediated decay, which are commonly known mechanisms for disease. The variant allele was found at a frequency of 0.00028 in 251056 control chromosomes. This frequency is not significantly higher than estimated for disease-causing variants in CLCN1, allowing no conclusion about variant significance. c.2926C>T has been reported in individuals affected with Myotonia congenita (e.g., Suetterlin_2022, Modoni_2011, Vereb_2021, Morrow_2013, Chen_2013, Brugnoni_2013) without definitive evidence for causality. These data do not allow any conclusion about variant significance. To our knowledge, no experimental evidence demonstrating an impact on protein function has been reported. The following publications have been ascertained in the context of this evaluation (PMID: 23739125, 23408874, 21221019, 23810313, 34529042, 33263785). ClinVar contains an entry for this variant (Variation ID: 199652). Based on the evidence outlined above, the variant was classified as uncertain significance.

Revvity Omics, Revvity
Classification: Uncertain significance. Last evaluated: 2025-07-31. Review status: criteria provided, single submitter. Criteria: ACMG Guidelines, 2015. Collection method: clinical testing. Allele origin: germline.

Dasa
Classification: Uncertain significance for myotonia congenita, autosomal recessive. Last evaluated: 2025-07-14. Review status: criteria provided, single submitter. Criteria: DASA Assertion Criteria. Collection method: clinical testing. Allele origin: germline.
Comment: NM_000083.3(CLCN1):c.2926C>T (p.Arg976*) is a nonsense variant in CLCN1 predicted to introduce a premature termination codon. This variant has been reported in individuals with CLCN1-related disorders (PMID: 21221019). Also, this variant is rare in population databases. The currently available literature and clinical evidence are not sufficient to establish a definitive association between this variant and the reported condition. Therefore, this variant is classified as a variant of uncertain significance.

GeneDx
Classification: Uncertain significance. Last evaluated: 2025-02-22. Review status: criteria provided, single submitter. Criteria: GeneDx Variant Classification Process June 2021. Collection method: clinical testing. Allele origin: germline. Affected: yes.
Comment: Reported previously with a second variant in patients with myotonia congenita in published literature; however, it is not known whether these variants are on the same allele (in cis) or on different alleles (in trans) (PMID: 21221019, 34529042, 33263785); Reported previously as a heterozygous variant in patient with pain, stiffness, cramping in hands, and severe respiratory problems; no second variant was mentioned and segregation information was not provided (PMID: 36540316); Nonsense variant predicted to result in protein truncation as the last 13 amino acids are lost, although loss-of-function variants have not been reported downstream of this position in the protein; This variant is associated with the following publications: (PMID: 20301529, 25964741, 25012387, 23739125, 26471370, 25088311, 25065301, 32010054, 34426522, 33263785, 36540316, 23408874, 21221019, 34529042)

Labcorp Genetics (formerly Invitae), Labcorp
Classification: Uncertain significance for Congenital myotonia, autosomal recessive form; Congenital myotonia, autosomal dominant form. Last evaluated: 2024-11-19. Review status: criteria provided, single submitter. Criteria: Invitae Variant Classification Sherloc (09022015). Collection method: clinical testing. Allele origin: germline.
Comment: This sequence change creates a premature translational stop signal (p.Arg976*) in the CLCN1 gene. While this is not anticipated to result in nonsense mediated decay, it is expected to disrupt the last 13 amino acid(s) of the CLCN1 protein. This variant is present in population databases (rs142539932, gnomAD 0.2%). This premature translational stop signal has been observed in individuals with autosomal recessive myotonia congenita and/or clinical features of autosomal recessive myotonia congenita (PMID: 21221019, 23408874, 33263785, 34529042, 36540316; internal data). ClinVar contains an entry for this variant (Variation ID: 199652). Experimental studies and prediction algorithms are not available or were not evaluated, and the functional significance of this variant is currently unknown. In summary, the available evidence is currently insufficient to determine the role of this variant in disease. Therefore, it has been classified as a Variant of Uncertain Significance.

Department of Pathology and Laboratory Medicine, Sinai Health System
Classification: Uncertain significance for myotonia congenita, autosomal dominant. Last evaluated: 2022-10-03. Review status: criteria provided, single submitter. Criteria: ACMG Guidelines, 2015. Collection method: research. Allele origin: germline.

OMIM
Classification: Uncertain significance for VARIANT OF UNKNOWN SIGNIFICANCE. Last evaluated: 2013-03-19. Review status: no assertion criteria provided. Collection method: literature only. Allele origin: germline. Not counted in ClinVar's aggregate classification.

GeneReviews
No classification provided. Condition: Batten-Turner congenital myopathy. Review status: no classification provided. Collection method: literature only. Allele origin: germline. Affected: yes. Not counted in ClinVar's aggregate classification.

Literature cited by the submitters: PubMed 23739125 (cited by Women's Health and Genetics/Laboratory Corporation of America, LabCorp); PubMed 33263785 (cited by Women's Health and Genetics/Laboratory Corporation of America, LabCorp and Labcorp Genetics (formerly Invitae), Labcorp); PubMed 34529042 (cited by Women's Health and Genetics/Laboratory Corporation of America, LabCorp and Labcorp Genetics (formerly Invitae), Labcorp); PubMed 21221019 (cited by 3 submitters); PubMed 23408874 (cited by 4 submitters); PubMed 23810313 (cited by Women's Health and Genetics/Laboratory Corporation of America, LabCorp); PubMed 36540316 (cited by Labcorp Genetics (formerly Invitae), Labcorp); NCBI Bookshelf NBK1355 (cited by GeneReviews).